The following is an entry in ClinVar:

NM_003906.5(MCM3AP):c.1929G>A (p.Glu643=)

Gene: MCM3AP (minichromosome maintenance complex component 3 associated protein; minus strand). Cytogenetic location: 21q22.3.
Variant type: single nucleotide variant.
Coding change: c.1929G>A on transcript NM_003906.5 (MANE Select); coding-DNA position 1929, G replaced by A.
Protein change: p.Glu643=; no amino-acid change (glutamic acid 643 retained).
Molecular consequence: synonymous variant.
Genome position (GRCh38, 1-based): chr21:46,275,255, C>T on the plus strand (G>A on the coding strand, the complement: MCM3AP is on the minus strand). VCF-style: chr21-46275255-C-T. GRCh37 (hg19) VCF-style: chr21-47695169-C-T.
Other names: p.Glu643=; c.1929G>A (NM_003906.4).
Identifiers: ClinVar variation 1536364 (VCV001536364.12), dbSNP rs137875462, ClinGen allele CA10076936.

ClinVar aggregate classification (germline): Benign/Likely benign. Review status: criteria provided, multiple submitters, no conflicts (2 of 4 stars). 5 submissions from 5 submitters: Benign (2); Likely benign (3). Last evaluated 2026-01-11.

Conditions:
MCM3AP-related disorder. Also called: MCM3AP-related condition.

Allele frequency attached by ClinVar (database versions not stated): gnomAD exomes 0.00009 and 0.00018; ExAC 0.00022; 1000 Genomes Project 30x 0.00031; 1000 Genomes Project 0.00040; gnomAD 0.00086 and 0.00096; TOPMed 0.00100; ESP Exome Variant Server 0.00108.
gnomAD v4.1: 272 of 1,614,186 alleles (0.017%); highest among the groups gnomAD compares: African/African-American, 0.32%; 1 homozygote.

Submissions (5):

Labcorp Genetics (formerly Invitae), Labcorp
Classification: Benign. Last evaluated: 2026-01-11. Review status: criteria provided, single submitter. Criteria: Invitae Variant Classification Sherloc (09022015). Collection method: clinical testing. Allele origin: germline.

Mayo Clinic Laboratories, Mayo Clinic
Classification: Likely benign. Last evaluated: 2025-09-11. Review status: criteria provided, single submitter. Criteria: ACMG Guidelines, 2015. Collection method: clinical testing. Allele origin: germline. Observed: 1 variant allele.
Comment: BP4, BP7

PreventionGenetics, part of Exact Sciences
Classification: Likely benign for MCM3AP-related condition. Last evaluated: 2025-04-23. Review status: criteria provided, single submitter. Criteria: ACMG Guidelines, 2015. Collection method: clinical testing. Allele origin: germline.
Comment: This variant is classified as likely benign based on ACMG/AMP sequence variant interpretation guidelines (Richards et al. 2015 PMID: 25741868, with internal and published modifications).

Blueprint Genetics
Classification: Likely benign. Last evaluated: 2022-08-31. Review status: criteria provided, single submitter. Criteria: ACMG Guidelines, 2015. Collection method: clinical testing. Allele origin: germline.

Breakthrough Genomics
Classification: Benign. Review status: criteria provided, single submitter. Criteria: ACMG Guidelines, 2015. Collection method: not provided. Allele origin: germline. Inheritance: Autosomal recessive inheritance. Affected: yes.